The following is an entry in ClinVar:

NM_014855.3(AP5Z1):c.1805+4G>A

Gene: AP5Z1 (adaptor related protein complex 5 subunit zeta 1; plus strand). Cytogenetic location: 7p22.1.
Variant type: single nucleotide variant.
Coding change: c.1805+4G>A on transcript NM_014855.3 (MANE Select); 4 bases into the intron after coding-DNA position 1805, G replaced by A.
Molecular consequence: intron variant.
Genome position (GRCh38, 1-based): chr7:4,789,933, G>A. VCF-style: chr7-4789933-G-A. GRCh37 (hg19) VCF-style: chr7-4829564-G-A.
Other names: c.1337+4G>A (NM_001364858.1).
Identifiers: ClinVar variation 2239877 (VCV002239877.2), dbSNP rs1009050478, ClinGen allele CA1684545881.

ClinVar aggregate classification (germline): Uncertain significance (1 of 4 stars; one submission).

Conditions:
Inborn genetic diseases. Identifiers: MedGen C0950123, MeSH D030342.

gnomAD v4.1: 1 of 1,533,102 alleles (0.000065%); highest among the groups gnomAD compares: African/African-American, 0.0014%; no homozygotes.

Submission:

Ambry Genetics
Classification: Uncertain significance for Inborn genetic diseases. Last evaluated: 2021-09-14. Review status: criteria provided, single submitter. Criteria: Ambry Variant Classification Scheme 2023. Collection method: clinical testing. Allele origin: germline.
Comment: The c.1805+4G>A intronic alteration consists of a G to A substitution nucleotides after coding exon 14 in the AP5Z1 gene. Based on insufficient or conflicting evidence, the clinical significance of this alteration remains unclear.